The following is an entry in ClinVar:

NM_000179.3(MSH6):c.2298_2299del (p.Thr767fs)

Gene: MSH6 (mutS homolog 6; plus strand). Cytogenetic location: 2p16.3.
Variant type: Deletion.
Coding change: c.2298_2299del on transcript NM_000179.3 (MANE Select); coding-DNA positions 2298 to 2299, 2 bases deleted (TA; older notation c.2298_2299delTA).
Protein change: p.Thr767fs; shifts the reading frame from threonine 767.
Molecular consequence: frameshift variant. On other transcripts: non-coding transcript variant (5), intron variant (2).
Genome position (GRCh38, 1-based): chr2:47,800,281-47,800,282, TA deleted; deleting any 2 consecutive bases within chr2:47,800,280-47,800,282 gives the same sequence; the c. name uses the placement nearest the transcript's 3' end. VCF-style (leftmost placement, unchanged base first): chr2-47800279-CAT-C. GRCh37 (hg19) VCF-style: chr2-48027418-CAT-C.
Other names: c.2130_2131del, p.Thr711fs (NM_001406826.1); c.2001_2002del, p.Thr668fs (NM_001406827.1, NM_001406828.1, NM_001406830.1 and 10 more transcripts); c.1392_1393del, p.Thr465fs (NM_001406829.1, NM_001281493.2, NM_001281494.2 and 6 more transcripts); c.1606+692_1606+693del (NM_001406817.1); c.628-385_628-384del (NM_001407362.1); c.1908_1909del, p.Thr637fs (NM_001281492.2); c.2394_2395del, p.Thr799fs (NM_001406795.1, NM_001406802.1); c.2298_2299del, p.Thr767fs (NM_001406796.1, NM_001406798.1, NM_001406800.1 and 3 more transcripts); and 3 more; short protein forms T668fs, T767fs, T741fs, T769fs, T799fs, T465fs, T592fs, T711fs.
Identifiers: ClinVar variation 2844933 (VCV002844933.3), dbSNP rs2530663389, ClinGen allele CA2739274418.
Genomic context (GRCh38, chr2:47,800,279, plus strand): 5'-TTTCTGAATGGAACAAATGGTTCTACTGAAGGAACCCTACTAGAGAGGGTTGATACTTGC[CAT>C]ACTCCTTTTGGTAAGCGGCTCCTAAAGCAATGGCTTTGTGCCCCACTCTGTAACCATTAT-3'

ClinVar aggregate classification (germline): Pathogenic (1 of 4 stars; one submission).

Conditions:
Hereditary nonpolyposis colorectal neoplasms. Identifiers: MedGen C0009405, MeSH D003123.

Submission:

Labcorp Genetics (formerly Invitae), Labcorp
Classification: Pathogenic for Hereditary nonpolyposis colorectal neoplasms. Last evaluated: 2023-09-18. Review status: criteria provided, single submitter. Criteria: Invitae Variant Classification Sherloc (09022015). Collection method: clinical testing. Allele origin: germline.
Comment: For these reasons, this variant has been classified as Pathogenic. This variant has not been reported in the literature in individuals affected with MSH6-related conditions. This variant is not present in population databases (gnomAD no frequency). This sequence change creates a premature translational stop signal (p.Thr767Serfs*4) in the MSH6 gene. It is expected to result in an absent or disrupted protein product. Loss-of-function variants in MSH6 are known to be pathogenic (PMID: 18269114, 24362816).

Literature cited by the submitters: PubMed 18269114; PubMed 24362816.